The following is an entry in ClinVar:

NM_153717.3(EVC):c.1099-208C>A

Gene: EVC (EvC ciliary complex subunit 1; plus strand). Cytogenetic location: 4p16.2.
Variant type: single nucleotide variant.
Coding change: c.1099-208C>A on transcript NM_153717.3 (MANE Select); 208 bases into the intron before coding-DNA position 1099, C replaced by A.
Molecular consequence: intron variant.
Genome position (GRCh38, 1-based): chr4:5,752,628, C>A. VCF-style: chr4-5752628-C-A. GRCh37 (hg19) VCF-style: chr4-5754355-C-A.
Other names: c.1099-208C>A (NM_001306090.2, NM_001306092.2).
Identifiers: ClinVar variation 667836 (VCV000667836.2), dbSNP rs6812234, ClinGen allele CA11715313.
Genomic context (GRCh38, chr4:5,752,628, plus strand): 5'-CCTCTGGGGAGCGCTACTGGTGACTAAGTGCCTACATGCTAAGCTGCGTCAGCCTCCCCG[C>A]ACCCTAGGAGAGACACTTAATCCCCACCTCGGGGGCAGACGCAGATCTCGCTCATGAAGG-3'

ClinVar aggregate classification (germline): Benign. Review status: criteria provided, multiple submitters, no conflicts (2 of 4 stars). 2 submissions from 2 submitters: Benign (2). Last evaluated 2018-06-14.

Allele frequency attached by ClinVar (database versions not stated): 1000 Genomes Project 30x 0.24110; 1000 Genomes Project 0.24581.
gnomAD v4.1: 189,214 of 639,884 alleles (30%); highest among the groups gnomAD compares: Admixed American, 41%; 30,180 homozygotes.

Submissions (2):

GeneDx
Classification: Benign. Last evaluated: 2018-06-14. Review status: criteria provided, single submitter. Criteria: GeneDx Variant Classification (06012015). Collection method: clinical testing. Allele origin: germline. Affected: yes.
Comment: This variant is considered likely benign or benign based on one or more of the following criteria: it is a conservative change, it occurs at a poorly conserved position in the protein, it is predicted to be benign by multiple in silico algorithms, and/or has population frequency not consistent with disease.

Breakthrough Genomics
Classification: Benign. Review status: criteria provided, single submitter. Criteria: ACMG Guidelines, 2015. Collection method: not provided. Allele origin: germline. Inheritance: Autosomal recessive inheritance. Affected: yes.